The following is an entry in ClinVar:

NM_001401501.2(MUC16):c.4543G>A (p.Asp1515Asn)

Gene: MUC16 (mucin 16, cell surface associated; minus strand). Cytogenetic location: 19p13.2.
Variant type: single nucleotide variant.
Coding change: c.4543G>A on transcript NM_001401501.2 (MANE Select); coding-DNA position 4543, G replaced by A.
Protein change: p.Asp1515Asn; replaces aspartic acid 1515 with asparagine.
Molecular consequence: missense variant.
Genome position (GRCh38, 1-based): chr19:8,976,716, C>T on the plus strand (G>A on the coding strand, the complement: MUC16 is on the minus strand). VCF-style: chr19-8976716-C-T. GRCh37 (hg19) VCF-style: chr19-9087392-C-T.
Other names: c.4969G>A, p.Asp1657Asn (NM_001414686.1); c.4423G>A, p.Asp1475Asn (NM_001414687.1, NM_024690.2); short protein forms D1475N, D1515N, D1657N.
Identifiers: ClinVar variation 3034020 (VCV003034020.2), dbSNP rs113573497, ClinGen allele CA9172818.

ClinVar aggregate classification (germline): Benign (0 of 4 stars; one submission).

Conditions:
MUC16-related disorder. Also called: MUC16-related condition.

Allele frequency attached by ClinVar (database versions not stated): gnomAD 0.01417; ESP Exome Variant Server 0.01449; 1000 Genomes Project 30x 0.01577; 1000 Genomes Project 0.01617; TOPMed 0.01660.

Submission:

PreventionGenetics, part of Exact Sciences
Classification: Benign for MUC16-related condition. Last evaluated: 2019-03-04. Review status: no assertion criteria provided. Collection method: clinical testing. Allele origin: germline.
Comment: This variant is classified as benign based on ACMG/AMP sequence variant interpretation guidelines (Richards et al. 2015 PMID: 25741868, with internal and published modifications).